The following is an entry in ClinVar:

NM_001203.3(BMPR1B):c.622A>G (p.Lys208Glu)

Gene: BMPR1B (bone morphogenetic protein receptor type 1B; plus strand). Cytogenetic location: 4q22.3.
Variant type: single nucleotide variant.
Coding change: c.622A>G on transcript NM_001203.3 (MANE Select); coding-DNA position 622, A replaced by G.
Protein change: p.Lys208Glu; replaces lysine 208 with glutamic acid.
Molecular consequence: missense variant.
Genome position (GRCh38, 1-based): chr4:95,129,898, A>G. VCF-style: chr4-95129898-A-G. GRCh37 (hg19) VCF-style: chr4-96051049-A-G.
Other names: c.622A>G, p.Lys208Glu (NM_001256792.2, NM_001256794.1); c.712A>G, p.Lys238Glu (NM_001256793.2); short protein forms K208E, K238E.
Identifiers: ClinVar variation 2936889 (VCV002936889.3), dbSNP rs1260652488, ClinGen allele CA357681139.

ClinVar aggregate classification (germline): Uncertain significance (1 of 4 stars; one submission).

Conditions:
Type A2 brachydactyly (BDA2). Also called: BRACHYMESOPHALANGY II; MOHR-WRIEDT TYPE BRACHYDACTYLY; Brachymesophalangy type 2. Identifiers: Orphanet 93396, MedGen C1832702, MONDO:0007216, OMIM 112600, HP:0009372.
Acromesomelic dysplasia 3 (AMD3). Also called: Acromesomelic dysplasia, Demirhan type; CHONDRODYSPLASIA, ACROMESOMELIC, WITH OR WITHOUT GENITAL ANOMALIES. Identifiers: MedGen C4225404, MONDO:0012274, OMIM 609441.

Allele frequency attached by ClinVar (database versions not stated): TOPMed 0.00001.
gnomAD v4.1: 2 of 1,613,796 alleles (0.00012%); highest among the groups gnomAD compares: South Asian, 0.0011%; no homozygotes.

Submission:

Labcorp Genetics (formerly Invitae), Labcorp
Classification: Uncertain significance for Type A2 brachydactyly; Acromesomelic dysplasia 3. Last evaluated: 2024-04-01. Review status: criteria provided, single submitter. Criteria: Invitae Variant Classification Sherloc (09022015). Collection method: clinical testing. Allele origin: germline.
Comment: This sequence change replaces lysine, which is basic and polar, with glutamic acid, which is acidic and polar, at codon 208 of the BMPR1B protein (p.Lys208Glu). This variant is not present in population databases (gnomAD no frequency). This variant has not been reported in the literature in individuals affected with BMPR1B-related conditions. Advanced modeling of protein sequence and biophysical properties (such as structural, functional, and spatial information, amino acid conservation, physicochemical variation, residue mobility, and thermodynamic stability) performed at Invitae indicates that this missense variant is not expected to disrupt BMPR1B protein function with a negative predictive value of 80%. In summary, the available evidence is currently insufficient to determine the role of this variant in disease. Therefore, it has been classified as a Variant of Uncertain Significance.